The following is an entry in ClinVar:

NM_058195.4(CDKN2A):c.-25G>T

Gene: CDKN2A (cyclin dependent kinase inhibitor 2A; minus strand). Cytogenetic location: 9p21.3.
Variant type: single nucleotide variant.
Coding change: c.-25G>T on transcript NM_058195.4 (MANE Plus Clinical); 25 bases upstream of the start codon, G replaced by T.
Molecular consequence: 5 prime UTR variant. On other transcripts: intron variant (1).
Genome position (GRCh38, 1-based): chr9:21,994,356, C>A on the plus strand (G>T on the coding strand, the complement: CDKN2A is on the minus strand). VCF-style: chr9-21994356-C-A. GRCh37 (hg19) VCF-style: chr9-21994355-C-A.
Other names: c.-4+465G>T (NM_001363763.2).
Identifiers: ClinVar variation 422776 (VCV000422776.5), dbSNP rs1064795989, ClinGen allele CA16618842.

ClinVar aggregate classification (germline): Uncertain significance. Review status: criteria provided, multiple submitters, no conflicts (2 of 4 stars). 2 submissions from 2 submitters: Uncertain significance (2). Last evaluated 2017-02-13.

Conditions:
Hereditary cancer-predisposing syndrome. Also called: Neoplastic Syndromes, Hereditary; Hereditary Cancer Syndrome; Tumor predisposition; Hereditary neoplastic syndrome. Identifiers: Orphanet 140162, MedGen C0027672, MeSH D009386, MONDO:0015356.

Allele frequency attached by ClinVar (database versions not stated): TOPMed below 0.00001; gnomAD 0.00001.
gnomAD v4.1: 6 of 1,606,566 alleles (0.00037%); highest among the groups gnomAD compares: African/African-American, 0.0027%; no homozygotes.

Submissions (2):

Ambry Genetics
Classification: Uncertain significance for Hereditary cancer-predisposing syndrome. Last evaluated: 2017-02-13. Review status: criteria provided, single submitter. Criteria: Ambry Variant Classification Scheme 2023. Collection method: clinical testing. Allele origin: germline.
Comment: The c.-25G>T alteration is located in the 5' untranslated region (5'UTR) of the CDKN2A gene. This alteration consists of a G to T substitution nucleotides upstream from the first translated codon. Based on insufficient or conflicting evidence, the clinical significance of this alteration remains unclear.

GeneDx
Classification: Uncertain significance. Last evaluated: 2016-11-25. Review status: criteria provided, single submitter. Criteria: GeneDx Variant Classification (06012015). Collection method: clinical testing. Allele origin: germline. Affected: yes.
Comment: This variant is denoted CDKN2A c.-25G>T, and consists of a G>T nucleotide substitution 25 bases upstream of the translation initiation site. The surrounding sequence, with the base that is substituted in brackets, is CCGA[G/T]CTCG. The CDKN2A gene encodes the p16 protein, and using an alternate reading frame, the p14ARF protein as well. This variant occurs just upstream of the start codon for p14ARF and there have not, to our knowledge, been any published regulatory variants in the p14-ARF isoform. Although this variant does not appear to affect the start codon or the Kozak translational consensus sequence of p14-ARF, there are published variants in p16,including c.-34G>T, that are considered to be pathogenic and predispose to melanoma (Liu 1999, Bisio 2010). This variant was not observed in approximately 6,500 individuals of European and African American ancestry in the NHLBI Exome Sequencing Project, suggesting it is not a common benign variant in these populations. Based on currently available information, it is unclear whether CDKN2A c.-25G>T is a pathogenic variant or a benign variant. We consider it to be a variant of uncertain significance.